The following is an entry in ClinVar:

ClinVar aggregate classification (germline): Uncertain significance. Review status: criteria provided, multiple submitters, no conflicts (2 of 4 stars). 3 submissions from 3 submitters: Uncertain significance (3). Last evaluated 2026-03-03.

Conditions:
Inborn genetic diseases. Identifiers: MedGen C0950123, MeSH D030342.
Intellectual disability-facial dysmorphism syndrome due to SETD5 haploinsufficiency (MRD23). Also called: Intellectual developmental disorder, autosomal dominant 23. Identifiers: Orphanet 404440, MedGen C3810406, MONDO:0014336, OMIM 615761.

Allele frequency attached by ClinVar (database versions not stated): gnomAD exomes below 0.00001; TOPMed below 0.00001.
gnomAD v4.1: 1 of 1,613,970 alleles (0.000062%); highest among the groups gnomAD compares: African/African-American, 0.0013%; no homozygotes.

Submissions (3):

Ambry Genetics
Classification: Uncertain significance for Inborn genetic diseases. Last evaluated: 2026-03-03. Review status: criteria provided, single submitter. Criteria: Ambry Variant Classification Scheme 2023. Collection method: clinical testing. Allele origin: germline.

Labcorp Genetics (formerly Invitae), Labcorp
Classification: Uncertain significance. Last evaluated: 2022-08-16. Review status: criteria provided, single submitter. Criteria: Invitae Variant Classification Sherloc (09022015). Collection method: clinical testing. Allele origin: germline.
Comment: In summary, the available evidence is currently insufficient to determine the role of this variant in disease. Therefore, it has been classified as a Variant of Uncertain Significance. Algorithms developed to predict the effect of missense changes on protein structure and function output the following: SIFT: "Tolerated"; PolyPhen-2: "Benign"; Align-GVGD: "Class C0". The serine amino acid residue is found in multiple mammalian species, which suggests that this missense change does not adversely affect protein function. ClinVar contains an entry for this variant (Variation ID: 983362). This variant has not been reported in the literature in individuals affected with SETD5-related conditions. This variant is not present in population databases (gnomAD no frequency). This sequence change replaces glycine, which is neutral and non-polar, with serine, which is neutral and polar, at codon 1087 of the SETD5 protein (p.Gly1087Ser).

New York Genome Center
Classification: Uncertain significance for Intellectual disability-facial dysmorphism syndrome due to SETD5 haploinsufficiency. Last evaluated: 2020-01-31. Review status: criteria provided, single submitter. Criteria: NYGC Assertion Criteria 2020. Collection method: clinical testing. Allele origin: inherited. Observed: 1 heterozygote. Study: CSER-NYCKidSeq.

NM_001080517.3(SETD5):c.3259G>A (p.Gly1087Ser)

Gene: SETD5 (SET domain containing 5; plus strand). Cytogenetic location: 3p25.3.
Variant type: single nucleotide variant.
Coding change: c.3259G>A on transcript NM_001080517.3 (MANE Select); coding-DNA position 3259, G replaced by A.
Protein change: p.Gly1087Ser; replaces glycine 1087 with serine.
Molecular consequence: missense variant.
Genome position (GRCh38, 1-based): chr3:9,473,299, G>A. VCF-style: chr3-9473299-G-A. GRCh37 (hg19) VCF-style: chr3-9514983-G-A.
Other names: c.3259G>A (NM_001080517.1); c.2965G>A, p.Gly989Ser (NM_001292043.2, NM_001349451.2); short protein forms G1087S, G989S.
Identifiers: ClinVar variation 983362 (VCV000983362.8), dbSNP rs2045527216, ClinGen allele CA351685123.